The following is an entry in ClinVar:

NM_001330260.2(SCN8A):c.2188T>C (p.Phe730Leu)

Gene: SCN8A (sodium voltage-gated channel alpha subunit 8; plus strand). Cytogenetic location: 12q13.13.
Variant type: single nucleotide variant.
Coding change: c.2188T>C on transcript NM_001330260.2 (MANE Select); coding-DNA position 2188, T replaced by C.
Protein change: p.Phe730Leu; replaces phenylalanine 730 with leucine.
Molecular consequence: missense variant.
Genome position (GRCh38, 1-based): chr12:51,751,411, T>C. VCF-style: chr12-51751411-T-C. GRCh37 (hg19) VCF-style: chr12-52145195-T-C.
Other names: c.2188T>C (NM_014191.2); c.2188T>C, p.Phe730Leu (NM_001177984.3, NM_001369788.1, NM_014191.4); short protein forms F730L.
Identifiers: ClinVar variation 806888 (VCV000806888.45), dbSNP rs923938885, ClinGen allele CA236311206.
Genomic context (GRCh38, chr12:51,751,411, plus strand): 5'-GTAGAACTGGAAGAGTCTCAGAGAAAGTGCCCGCCATGCTGGTATAAATTTGCCAACACT[T>C]TCCTCATCTGGGAGTGCCACCCCTACTGGATAAAACTGAAAGAGATTGTGAACTTGATAG-3'
Protein context (NP_001317189.1, residues 720-740): PPCWYKFANT[Phe730Leu]LIWECHPYWI

ClinVar aggregate classification (germline): Uncertain significance. Review status: criteria provided, multiple submitters, no conflicts (2 of 4 stars). 4 submissions from 4 submitters: Uncertain significance (4). Last evaluated 2025-10-18.

Conditions:
SCN8A-related disorder.
Inborn genetic diseases. Identifiers: MedGen C0950123, MeSH D030342.
Early-infantile DEE. Also called: Early infantile epileptic encephalopathy with suppression bursts; Early infantile epileptic encephalopathy; Ohtahara syndrome. Identifiers: Orphanet 1934, MedGen C0393706, MONDO:0800491.

Submissions (4):

Ambry Genetics
Classification: Uncertain significance for Inborn genetic diseases. Last evaluated: 2025-10-18. Review status: criteria provided, single submitter. Criteria: Ambry Variant Classification Scheme 2023. Collection method: clinical testing. Allele origin: germline.

3billion
Classification: Uncertain significance for SCN8A-related disorder. Last evaluated: 2025-09-04. Review status: criteria provided, single submitter. Criteria: ACMG Guidelines, 2015. Collection method: clinical testing. Allele origin: germline. Affected: yes.
Comment: The variant is not observed in the gnomAD v4.1.0 dataset. Predicted Consequence/Location: Missense variant In silico tool predictions suggest damaging effect of the variant on gene or gene product [REVEL: 0.69 (>=0.6, sensitivity 0.68 and specificity 0.92)]. The variant has been reported as of uncertain significance (ClinVar ID: VCV000806888). Different missense changes at the same codon have been reported as of uncertain significance (ClinVar ID: VCV001005362). Therefore, this variant is classified as VUS according to the recommendation of ACMG/AMP guideline.

Labcorp Genetics (formerly Invitae), Labcorp
Classification: Uncertain significance for Early-infantile DEE. Last evaluated: 2023-11-28. Review status: criteria provided, single submitter. Criteria: Invitae Variant Classification Sherloc (09022015). Collection method: clinical testing. Allele origin: germline.
Comment: This sequence change replaces phenylalanine, which is neutral and non-polar, with leucine, which is neutral and non-polar, at codon 730 of the SCN8A protein (p.Phe730Leu). This variant is not present in population databases (gnomAD no frequency). This variant has not been reported in the literature in individuals affected with SCN8A-related conditions. ClinVar contains an entry for this variant (Variation ID: 806888). Advanced modeling of protein sequence and biophysical properties (such as structural, functional, and spatial information, amino acid conservation, physicochemical variation, residue mobility, and thermodynamic stability) performed at Invitae indicates that this missense variant is not expected to disrupt SCN8A protein function with a negative predictive value of 95%. In summary, the available evidence is currently insufficient to determine the role of this variant in disease. Therefore, it has been classified as a Variant of Uncertain Significance.

CeGaT Center for Human Genetics Tuebingen
Classification: Uncertain significance. Last evaluated: 2019-10-01. Review status: criteria provided, single submitter. Criteria: CeGaT Center For Human Genetics Tuebingen Variant Classification Criteria Version 2. Collection method: clinical testing. Allele origin: germline. Affected: yes. Observed: 3 variant alleles.